The following is an entry in ClinVar:

NM_024312.5(GNPTAB):c.2230C>T (p.Gln744Ter)

Gene: GNPTAB (N-acetylglucosamine-1-phosphate transferase subunits alpha and beta; minus strand). Cytogenetic location: 12q23.2.
Variant type: single nucleotide variant.
Coding change: c.2230C>T on transcript NM_024312.5 (MANE Select); coding-DNA position 2230, C replaced by T.
Protein change: p.Gln744Ter; replaces glutamine 744 with a stop codon.
Molecular consequence: nonsense.
Genome position (GRCh38, 1-based): chr12:101,764,687, G>A on the plus strand (C>T on the coding strand, the complement: GNPTAB is on the minus strand). VCF-style: chr12-101764687-G-A. GRCh37 (hg19) VCF-style: chr12-102158465-G-A.
Other names: short protein forms Q744*.
Identifiers: ClinVar variation 4782321 (VCV004782321.1).
Genomic context (GRCh38, chr12:101,764,687, plus strand): 5'-CCACCAAACTGTCATTTGTTTCATCTGTTATTATAGCTTGATTTTTTATTTTAGCATGCT[G>A]TGAGTTCATCAGAAATGATCTCAGCAAGGCTGACTTGGACAAATTGTATCCTTTCAAAGT-3'

ClinVar aggregate classification (germline): Pathogenic (1 of 4 stars; one submission).

Conditions:
Mucolipidosis type II. Also called: ML II ALPHA/BETA; Mucolipidosis 2; ML 2; Inclusion cell disease; Leroy Disease; N-acetylglucosamine 1phosphotransferase deficiency. Identifiers: Orphanet 576, MedGen C2673377, MONDO:0009650, OMIM 252500.
Pseudo-Hurler polydystrophy. Also called: ML III; ML III ALPHA/BETA; MUCOLIPIDOSIS IIIA; Type III Mucolipidosis; ML IIIA; Mucolipidosis III Alpha/Beta. Identifiers: Orphanet 423461, Orphanet 577, MedGen C0033788, MONDO:0018931, OMIM 252600.

gnomAD v4.1: 2 of 1,612,972 alleles (0.00012%); highest among the groups gnomAD compares: Non-Finnish European, 0.00017%; no homozygotes.

Submission:

Labcorp Genetics (formerly Invitae), Labcorp
Classification: Pathogenic for Pseudo-Hurler polydystrophy; Mucolipidosis type II. Last evaluated: 2025-08-22. Review status: criteria provided, single submitter. Criteria: Invitae Variant Classification Sherloc (09022015). Collection method: clinical testing. Allele origin: germline.
Comment: This sequence change creates a premature translational stop signal (p.Gln744*) in the GNPTAB gene. It is expected to result in an absent or disrupted protein product. Loss-of-function variants in GNPTAB are known to be pathogenic (PMID: 19617216, 25107912). This variant is not present in population databases (gnomAD no frequency). This variant has not been reported in the literature in individuals affected with GNPTAB-related conditions. For these reasons, this variant has been classified as Pathogenic.

Literature cited by the submitters: PubMed 19617216; PubMed 25107912.